The following is an entry in ClinVar:

ClinVar aggregate classification (germline): Likely benign. Review status: criteria provided, single submitter (1 of 4 stars). 2 submissions from 2 submitters: Likely benign (1). 1 of the submissions does not count toward it. Last evaluated 2025-11-18.

Conditions:
DNAJC17-related disorder. Also called: DNAJC17-related condition.

Allele frequency attached by ClinVar (database versions not stated): 1000 Genomes Project 30x 0.00031; 1000 Genomes Project 0.00040; gnomAD exomes 0.00137 and 0.00263; ExAC 0.00138; TOPMed 0.00181; gnomAD 0.00190 and 0.00196; ESP Exome Variant Server 0.00238.
gnomAD v4.1: 4,055 of 1,598,502 alleles (0.25%); highest among the groups gnomAD compares: Non-Finnish European, 0.32%; 11 homozygotes.

Submissions (2):

Labcorp Genetics (formerly Invitae), Labcorp
Classification: Likely benign. Last evaluated: 2025-11-18. Review status: criteria provided, single submitter. Criteria: Invitae Variant Classification Sherloc (09022015). Collection method: clinical testing. Allele origin: germline.

PreventionGenetics, part of Exact Sciences
Classification: Likely benign for DNAJC17-related condition. Last evaluated: 2024-04-18. Review status: no assertion criteria provided. Collection method: clinical testing. Allele origin: germline. Not counted in ClinVar's aggregate classification.
Comment: This variant is classified as likely benign based on ACMG/AMP sequence variant interpretation guidelines (Richards et al. 2015 PMID: 25741868, with internal and published modifications).

NM_018163.3(DNAJC17):c.832A>G (p.Met278Val)

Gene: DNAJC17 (DnaJ heat shock protein family (Hsp40) member C17; minus strand). Cytogenetic location: 15q15.1.
Variant type: single nucleotide variant.
Coding change: c.832A>G on transcript NM_018163.3 (MANE Select); coding-DNA position 832, A replaced by G.
Protein change: p.Met278Val; replaces methionine 278 with valine.
Molecular consequence: missense variant.
Genome position (GRCh38, 1-based): chr15:40,768,023, T>C on the plus strand (A>G on the coding strand, the complement: DNAJC17 is on the minus strand). VCF-style: chr15-40768023-T-C. GRCh37 (hg19) VCF-style: chr15-41060221-T-C.
Other names: c.832A>G (NM_018163.2); short protein forms M278V.
Identifiers: ClinVar variation 1596024 (VCV001596024.9), dbSNP rs140603715, ClinGen allele CA7484924.